The following is an entry in ClinVar:

NM_000219.6(KCNE1):c.201C>A (p.Arg67=)

Gene: KCNE1 (potassium voltage-gated channel subfamily E regulatory subunit 1; minus strand). Cytogenetic location: 21q22.12.
Variant type: single nucleotide variant.
Coding change: c.201C>A on transcript NM_000219.6 (MANE Select); coding-DNA position 201, C replaced by A.
Protein change: p.Arg67=; no amino-acid change (arginine 67 retained).
Molecular consequence: synonymous variant.
Genome position (GRCh38, 1-based): chr21:34,449,434, G>T on the plus strand (C>A on the coding strand, the complement: KCNE1 is on the minus strand). VCF-style: chr21-34449434-G-T. GRCh37 (hg19) VCF-style: chr21-35821732-G-T.
Other names: c.201C>A, p.Arg67= (NM_001127668.4, NM_001127669.4, NM_001127670.4 and 4 more transcripts).
Identifiers: ClinVar variation 3374313 (VCV003374313.2).

Conditions:
Long QT syndrome 5 (LQT5). Identifiers: Orphanet 101016, Orphanet 768, MedGen C1867904, MONDO:0013372, OMIM 613695.

Submission:

Roden Lab, Vanderbilt University Medical Center
No classification provided (evidence only). Condition: Long QT syndrome 5. Review status: no classification provided. Collection method: in vitro. Allele origin: not applicable. Functional consequence: Effect on ion channel function.
ClinVar note: "not provided" was previously submitted as the classification for the variant. However, the classification appeared to be based only on an observation of functional data so it was converted to no classification on 2025-07-30.